The following is an entry in ClinVar:

NM_002230.4(JUP):c.1871A>G (p.Glu624Gly)

Gene: JUP (junction plakoglobin; minus strand). Cytogenetic location: 17q21.2.
Variant type: single nucleotide variant.
Coding change: c.1871A>G on transcript NM_002230.4 (MANE Select); coding-DNA position 1871, A replaced by G.
Protein change: p.Glu624Gly; replaces glutamic acid 624 with glycine.
Molecular consequence: missense variant.
Genome position (GRCh38, 1-based): chr17:41,757,687, T>C on the plus strand (A>G on the coding strand, the complement: JUP is on the minus strand). VCF-style: chr17-41757687-T-C. GRCh37 (hg19) VCF-style: chr17-39913939-T-C.
Other names: c.1871A>G, p.Glu624Gly (NM_001352773.2, NM_001352774.2, NM_001352775.2 and 3 more transcripts); short protein forms E624G.
Identifiers: ClinVar variation 950650 (VCV000950650.9), dbSNP rs1914071758, ClinGen allele CA399492289.
Genomic context (GRCh38, chr17:41,757,687, plus strand): 5'-AGCTCACCAGTGCCCTCGTTGCGGGAGTGCAGCAACTCCATGAGTGGGGCCGAGGCCCCC[T>C]CTGCATCAATGGCGTCGGCCGCCTCCTTGTCCTGGGCCAGCTCACACAGCACCCCGGCAG-3'
Protein context (NP_002221.1, residues 614-634): DKEAADAIDA[Glu624Gly]GASAPLMELL

ClinVar aggregate classification (germline): Uncertain significance (1 of 4 stars; one submission).

Conditions:
Naxos disease (NXD). Also called: WOOLLY HAIR, PALMOPLANTAR KERATODERMA, AND CARDIAC ABNORMALITIES; KERATOSIS PALMOPLANTARIS WITH ARRHYTHMOGENIC CARDIOMYOPATHY; MAL DE NAXOS; PALMOPLANTAR KERATODERMA WITH ARRHYTHMOGENIC RIGHT VENTRICULAR CARDIOMYOPATHY AND WOOLLY HAIR; CARDIOMYOPATHY, ARRHYTHMOGENIC RIGHT VENTRICULAR, WITH SKIN, HAIR, AND NAIL ABNORMALITIES. Identifiers: Orphanet 34217, MedGen C1832600, MONDO:0011017, OMIM 601214.
Arrhythmogenic right ventricular dysplasia 12. Also called: ARRHYTHMOGENIC RIGHT VENTRICULAR DYSPLASIA, FAMILIAL, 12. Identifiers: MedGen C1969081, MONDO:0012684, OMIM 611528.

gnomAD v4.1: 1 of 1,613,490 alleles (0.000062%); highest among the groups gnomAD compares: Non-Finnish European, 0.000085%; no homozygotes.

Submission:

Labcorp Genetics (formerly Invitae), Labcorp
Classification: Uncertain significance for Arrhythmogenic right ventricular dysplasia 12; Naxos disease. Last evaluated: 2019-05-13. Review status: criteria provided, single submitter. Criteria: Invitae Variant Classification Sherloc (09022015). Collection method: clinical testing. Allele origin: germline.
Comment: In summary, the available evidence is currently insufficient to determine the role of this variant in disease. Therefore, it has been classified as a Variant of Uncertain Significance. Algorithms developed to predict the effect of missense changes on protein structure and function are either unavailable or do not agree on the potential impact of this missense change (SIFT: "Tolerated"; PolyPhen-2: "Possibly Damaging"; Align-GVGD: "Class C0"). This variant has not been reported in the literature in individuals with JUP-related conditions. This variant is not present in population databases (ExAC no frequency). This sequence change replaces glutamic acid with glycine at codon 624 of the JUP protein (p.Glu624Gly). The glutamic acid residue is moderately conserved and there is a moderate physicochemical difference between glutamic acid and glycine.